The following is an entry in ClinVar:

ClinVar aggregate classification (germline): Uncertain significance (1 of 4 stars; one submission).

Conditions:
Glycine encephalopathy. Also called: Nonketotic hyperglycinemia; Non-ketotic hyperglycinemia. Identifiers: Orphanet 407, MedGen C0751748, MONDO:0011612, HP:0008288.

Allele frequency attached by ClinVar (database versions not stated): TOPMed 0.00001.
gnomAD v4.1: 14 of 1,613,964 alleles (0.00087%); highest among the groups gnomAD compares: South Asian, 0.0055%; no homozygotes.

Submission:

Labcorp Genetics (formerly Invitae), Labcorp
Classification: Uncertain significance for Glycine encephalopathy. Last evaluated: 2022-01-26. Review status: criteria provided, single submitter. Criteria: Invitae Variant Classification Sherloc (09022015). Collection method: clinical testing. Allele origin: germline.
Comment: This sequence change replaces threonine, which is neutral and polar, with alanine, which is neutral and non-polar, at codon 281 of the AMT protein (p.Thr281Ala). This variant is present in population databases (no rsID available, gnomAD 0.0009%). This variant has not been reported in the literature in individuals affected with AMT-related conditions. Advanced modeling of protein sequence and biophysical properties (such as structural, functional, and spatial information, amino acid conservation, physicochemical variation, residue mobility, and thermodynamic stability) performed at Invitae indicates that this missense variant is expected to disrupt AMT protein function. In summary, the available evidence is currently insufficient to determine the role of this variant in disease. Therefore, it has been classified as a Variant of Uncertain Significance.

NM_000481.4(AMT):c.841A>G (p.Thr281Ala)

Gene: AMT (aminomethyltransferase; minus strand). Cytogenetic location: 3p21.31.
Variant type: single nucleotide variant.
Coding change: c.841A>G on transcript NM_000481.4 (MANE Select); coding-DNA position 841, A replaced by G.
Protein change: p.Thr281Ala; replaces threonine 281 with alanine.
Molecular consequence: missense variant. On other transcripts: non-coding transcript variant (1).
Genome position (GRCh38, 1-based): chr3:49,419,007, T>C on the plus strand (A>G on the coding strand, the complement: AMT is on the minus strand). VCF-style: chr3-49419007-T-C. GRCh37 (hg19) VCF-style: chr3-49456440-T-C.
Other names: c.709A>G, p.Thr237Ala (NM_001164710.2); c.673A>G, p.Thr225Ala (NM_001164711.2); c.841A>G, p.Thr281Ala (NM_001164712.2); short protein forms T225A, T237A, T281A.
Identifiers: ClinVar variation 2413872 (VCV002413872.6), dbSNP rs933595243, ClinGen allele CA74513441.